The following is an entry in ClinVar:

ClinVar aggregate classification (germline): Uncertain significance. Review status: criteria provided, multiple submitters, no conflicts (2 of 4 stars). 2 submissions from 2 submitters: Uncertain significance (2). Last evaluated 2024-01-24.

Allele frequency attached by ClinVar (database versions not stated): gnomAD 0.00002; TOPMed 0.00005.
gnomAD v4.1: 20 of 1,614,214 alleles (0.0012%); highest among the groups gnomAD compares: East Asian, 0.0022%; no homozygotes.

Submissions (2):

Labcorp Genetics (formerly Invitae), Labcorp
Classification: Uncertain significance. Last evaluated: 2024-01-24. Review status: criteria provided, single submitter. Criteria: Invitae Variant Classification Sherloc (09022015). Collection method: clinical testing. Allele origin: germline.
Comment: This sequence change replaces arginine, which is basic and polar, with tryptophan, which is neutral and slightly polar, at codon 547 of the SLC7A14 protein (p.Arg547Trp). This variant is present in population databases (rs756840741, gnomAD 0.002%). This variant has not been reported in the literature in individuals affected with SLC7A14-related conditions. ClinVar contains an entry for this variant (Variation ID: 1424309). An algorithm developed to predict the effect of missense changes on protein structure and function (PolyPhen-2) suggests that this variant is likely to be disruptive. In summary, the available evidence is currently insufficient to determine the role of this variant in disease. Therefore, it has been classified as a Variant of Uncertain Significance.

Ambry Genetics
Classification: Uncertain significance. Last evaluated: 2023-06-07. Review status: criteria provided, single submitter. Criteria: Ambry Variant Classification Scheme 2023. Collection method: clinical testing. Allele origin: germline.

NM_020949.3(SLC7A14):c.1639C>T (p.Arg547Trp)

Genes: SLC7A14-AS1 (SLC7A14 antisense RNA 1; plus strand), SLC7A14 (solute carrier family 7 member 14; minus strand). Cytogenetic location: 3q26.2.
Variant type: single nucleotide variant.
Coding change: c.1639C>T on transcript NM_020949.3 (MANE Select); coding-DNA position 1639, C replaced by T.
Protein change: p.Arg547Trp; replaces arginine 547 with tryptophan.
Molecular consequence: missense variant.
Genome position (GRCh38, 1-based): chr3:170,480,643, G>A on the plus strand (C>T on the coding strand, the complement: SLC7A14 is on the minus strand). VCF-style: chr3-170480643-G-A. GRCh37 (hg19) VCF-style: chr3-170198432-G-A.
Other names: c.1639C>T (NM_020949.2); short protein forms R547W.
Identifiers: ClinVar variation 1424309 (VCV001424309.7), dbSNP rs756840741, ClinGen allele CA2701594.